The following is an entry in ClinVar:

ClinVar aggregate classification (germline): Conflicting classifications of pathogenicity. Review status: criteria provided, conflicting classifications (1 of 4 stars). 2 submissions from 2 submitters: Uncertain significance (1); Likely benign (1). Last evaluated 2025-01-29.

Conditions:
Inborn genetic diseases. Identifiers: MedGen C0950123, MeSH D030342.

gnomAD v4.1: 34 of 1,614,048 alleles (0.0021%); highest among the groups gnomAD compares: Admixed American, 0.01%; no homozygotes.

Submissions (2):

Labcorp Genetics (formerly Invitae), Labcorp
Classification: Uncertain significance. Last evaluated: 2025-01-29. Review status: criteria provided, single submitter. Criteria: Invitae Variant Classification Sherloc (09022015). Collection method: clinical testing. Allele origin: germline.
Comment: This sequence change replaces arginine, which is basic and polar, with cysteine, which is neutral and slightly polar, at codon 62 of the DIP2C protein (p.Arg62Cys). This variant is present in population databases (rs371710759, gnomAD 0.009%). This variant has not been reported in the literature in individuals affected with DIP2C-related conditions. ClinVar contains an entry for this variant (Variation ID: 3502058). An algorithm developed to predict the effect of missense changes on protein structure and function (PolyPhen-2) suggests that this variant is likely to be disruptive. In summary, the available evidence is currently insufficient to determine the role of this variant in disease. Therefore, it has been classified as a Variant of Uncertain Significance.

Ambry Genetics
Classification: Likely benign for Inborn genetic diseases. Last evaluated: 2024-11-08. Review status: criteria provided, single submitter. Criteria: Ambry Variant Classification Scheme 2023. Collection method: clinical testing. Allele origin: germline.

NM_014974.3(DIP2C):c.184C>T (p.Arg62Cys)

Gene: DIP2C (DIP2 acetate--CoA ligase C (putative); minus strand). Cytogenetic location: 10p15.3.
Variant type: single nucleotide variant.
Coding change: c.184C>T on transcript NM_014974.3 (MANE Select); coding-DNA position 184, C replaced by T.
Protein change: p.Arg62Cys; replaces arginine 62 with cysteine.
Molecular consequence: missense variant.
Genome position (GRCh38, 1-based): chr10:472,523, G>A on the plus strand (C>T on the coding strand, the complement: DIP2C is on the minus strand). VCF-style: chr10-472523-G-A. GRCh37 (hg19) VCF-style: chr10-518463-G-A.
Other names: short protein forms R62C.
Identifiers: ClinVar variation 3502058 (VCV003502058.3).